The following is an entry in ClinVar:

NM_004646.4(NPHS1):c.1121G>A (p.Trp374Ter)

Gene: NPHS1 (NPHS1 adhesion molecule, nephrin; minus strand). Cytogenetic location: 19q13.12.
Variant type: single nucleotide variant.
Coding change: c.1121G>A on transcript NM_004646.4 (MANE Select); coding-DNA position 1121, G replaced by A.
Protein change: p.Trp374Ter; replaces tryptophan 374 with a stop codon.
Molecular consequence: nonsense.
Genome position (GRCh38, 1-based): chr19:35,848,686, C>T on the plus strand (G>A on the coding strand, the complement: NPHS1 is on the minus strand). VCF-style: chr19-35848686-C-T. GRCh37 (hg19) VCF-style: chr19-36339588-C-T.
Other names: short protein forms W374*.
Identifiers: ClinVar variation 1384606 (VCV001384606.6), dbSNP rs2146827068, ClinGen allele CA405406359.

ClinVar aggregate classification (germline): Pathogenic (1 of 4 stars; one submission).

Submission:

Labcorp Genetics (formerly Invitae), Labcorp
Classification: Pathogenic. Last evaluated: 2021-04-22. Review status: criteria provided, single submitter. Criteria: Invitae Variant Classification Sherloc (09022015). Collection method: clinical testing. Allele origin: germline.
Comment: For these reasons, this variant has been classified as Pathogenic. Algorithms developed to predict the effect of sequence changes on RNA splicing suggest that this variant may create or strengthen a splice site, but this prediction has not been confirmed by published transcriptional studies. This variant has not been reported in the literature in individuals with NPHS1-related conditions. This variant is not present in population databases (ExAC no frequency). This sequence change creates a premature translational stop signal (p.Trp374*) in the NPHS1 gene. It is expected to result in an absent or disrupted protein product. Loss-of-function variants in NPHS1 are known to be pathogenic (PMID: 11317351, 11854170, 12039988).

Literature cited by the submitters: PubMed 11317351; PubMed 11854170; PubMed 12039988.